The following is an entry in ClinVar:

NM_001278188.2(TPM3):c.69-3046CTGAGG[3]

Gene: TPM3 (tropomyosin 3; minus strand). Cytogenetic location: 1q21.3.
Variant type: Microsatellite.
Coding change: c.69-3046CTGAGG[3] on transcript NM_001278188.2; three copies in a row of the 6-base unit CTGAGG starting at c.69-3046; the reference has two copies in a row; one copy, 6 bases duplicated.
Molecular consequence: intron variant.
Genome position (GRCh38, 1-based): chr1:154,176,236-154,176,241, CCTCAG duplicated on the plus strand (CTGAGG on the coding strand, the reverse complement: TPM3 is on the minus strand); duplicating any 6 consecutive bases within chr1:154,176,236-154,176,250 gives the same sequence; the position shown is the placement nearest the transcript's 3' end. VCF-style (leftmost placement, unchanged base first): chr1-154176235-A-ACCTCAG. GRCh37 (hg19) VCF-style: chr1-154148711-A-ACCTCAG.
Identifiers: ClinVar variation 2027723 (VCV002027723.4), dbSNP rs2526082554, ClinGen allele CA2580611203.

ClinVar aggregate classification (germline): Uncertain significance (1 of 4 stars; one submission).

Conditions:
Congenital myopathy 4B, autosomal recessive. Also called: Nemaline myopathy 1, autosomal dominant or recessive. Identifiers: Orphanet 171433, Orphanet 171439, Orphanet 171881, MedGen C5829889, MONDO:0012239, OMIM 609284.
Congenital myopathy with fiber type disproportion. Also called: Congenital fiber-type disproportion myopathy; Congenital fiber-type disproportion. Identifiers: Orphanet 2020, MedGen C0546264, MONDO:0009711. Inheritance: all.

Submission:

Labcorp Genetics (formerly Invitae), Labcorp
Classification: Uncertain significance for Congenital myopathy with fiber type disproportion; Congenital myopathy 4B, autosomal recessive. Last evaluated: 2022-08-29. Review status: criteria provided, single submitter. Criteria: Invitae Variant Classification Sherloc (09022015). Collection method: clinical testing. Allele origin: germline.
Comment: This variant is not present in population databases (gnomAD no frequency). This variant, c.251_256dup, results in the insertion of 2 amino acid(s) of the TPM3 protein (p.Ala84_Glu85dup), but otherwise preserves the integrity of the reading frame. This variant has not been reported in the literature in individuals affected with TPM3-related conditions. In summary, the available evidence is currently insufficient to determine the role of this variant in disease. Therefore, it has been classified as a Variant of Uncertain Significance.